The following is an entry in ClinVar:

ClinVar aggregate classification (germline): Benign/Likely benign. Review status: criteria provided, multiple submitters, no conflicts (2 of 4 stars). 4 submissions from 4 submitters: Benign (1); Likely benign (3). Last evaluated 2024-05-10.

Conditions:
Hereditary cancer-predisposing syndrome. Also called: Hereditary Cancer Syndrome; Neoplastic Syndromes, Hereditary; Tumor predisposition; Hereditary neoplastic syndrome. Identifiers: Orphanet 140162, MedGen C0027672, MeSH D009386, MONDO:0015356.
Familial cancer of breast. Also called: Hereditary breast cancer; hereditary breast carcinoma; BREAST CANCER, FAMILIAL. Identifiers: Orphanet 227535, MedGen C0346153, MONDO:0016419, OMIM 114480. Disease mechanism: loss of function.
Ataxia-telangiectasia syndrome (AT). Also called: Ataxia telangiectasia (A-T); Ataxia-telangiectasia, complementation group E; LOUIS-BAR SYNDROME; Cerebello-oculocutaneous telangiectasia; Immunodeficiency with ataxia telangiectasia; Ataxia-telangiectasia, complementation group D. Identifiers: Orphanet 100, MedGen C0004135, MONDO:0008840, OMIM 208900.

Allele frequency attached by ClinVar (database versions not stated): gnomAD exomes 0.00001.
gnomAD v4.1: 15 of 1,613,920 alleles (0.00093%); highest among the groups gnomAD compares: South Asian, 0.014%; no homozygotes.

Submissions (4):

Myriad Genetics, Inc.
Classification: Benign for Familial cancer of breast. Last evaluated: 2024-05-10. Review status: criteria provided, single submitter. Criteria: Myriad Autosomal Dominant, Autosomal Recessive and X-Linked Classification Criteria (2023). Collection method: clinical testing. Allele origin: unknown.
Comment: This variant is considered benign. This variant is a silent/synonymous amino acid change and it is not expected to impact splicing.

Ambry Genetics
Classification: Likely benign for Hereditary cancer-predisposing syndrome. Last evaluated: 2024-02-19. Review status: criteria provided, single submitter. Criteria: Ambry Variant Classification Scheme 2023. Collection method: clinical testing. Allele origin: germline.

Labcorp Genetics (formerly Invitae), Labcorp
Classification: Likely benign for Ataxia-telangiectasia syndrome. Last evaluated: 2024-01-04. Review status: criteria provided, single submitter. Criteria: Invitae Variant Classification Sherloc (09022015). Collection method: clinical testing. Allele origin: germline.

Color Diagnostics, LLC DBA Color Health
Classification: Likely benign for Hereditary cancer-predisposing syndrome. Last evaluated: 2016-11-15. Review status: criteria provided, single submitter. Criteria: ACMG Guidelines, 2015. Collection method: clinical testing. Allele origin: germline.

NM_000051.4(ATM):c.2751C>G (p.Ser917=)

Gene: ATM (ATM serine/threonine kinase; plus strand). Cytogenetic location: 11q22.3.
Variant type: single nucleotide variant.
Coding change: c.2751C>G on transcript NM_000051.4 (MANE Select); coding-DNA position 2751, C replaced by G.
Protein change: p.Ser917=; no amino-acid change (serine 917 retained).
Molecular consequence: synonymous variant.
Genome position (GRCh38, 1-based): chr11:108,268,522, C>G. VCF-style: chr11-108268522-C-G. GRCh37 (hg19) VCF-style: chr11-108139249-C-G.
Other names: c.2751C>G, p.Ser917= (NM_001351834.2).
Identifiers: ClinVar variation 232199 (VCV000232199.15), dbSNP rs876659611, ClinGen allele CA10579069.
Genomic context (GRCh38, chr11:108,268,522, plus strand): 5'-CTTAGACATGCTCAAGTTCTTGTGTTTGTGTGTAACTACTGCTCAGACCAATACTGTGTC[C>G]TTTAGGGCAGCTGATATTCGGAGGAAATTGTTAATGTTAATTGATTCTAGCACGCTAGAA-3'
Protein context (NP_000042.3, residues 907-927): CVTTAQTNTV[Ser917=]FRAADIRRKL